The following is an entry in ClinVar:

ClinVar aggregate classification (germline): Uncertain significance (1 of 4 stars; one submission).

Conditions:
Nemaline myopathy 2 (NEM2). Also called: Nemaline myopathy 2, autosomal recessive. Identifiers: MedGen C1850569, MONDO:0009725, OMIM 256030.

gnomAD v4.1: 2 of 1,611,426 alleles (0.00012%); highest among the groups gnomAD compares: Non-Finnish European, 0.00017%; no homozygotes.

Submission:

Labcorp Genetics (formerly Invitae), Labcorp
Classification: Uncertain significance for Nemaline myopathy 2. Last evaluated: 2022-05-31. Review status: criteria provided, single submitter. Criteria: Invitae Variant Classification Sherloc (09022015). Collection method: clinical testing. Allele origin: germline.
Comment: This sequence change replaces proline, which is neutral and non-polar, with serine, which is neutral and polar, at codon 581 of the NEB protein (p.Pro581Ser). This variant is not present in population databases (gnomAD no frequency). This variant has not been reported in the literature in individuals affected with NEB-related conditions. Algorithms developed to predict the effect of missense changes on protein structure and function are either unavailable or do not agree on the potential impact of this missense change (SIFT: "Deleterious"; PolyPhen-2: "Not Available"; Align-GVGD: "Class C0"). In summary, the available evidence is currently insufficient to determine the role of this variant in disease. Therefore, it has been classified as a Variant of Uncertain Significance.

NM_001164508.2(NEB):c.1741C>T (p.Pro581Ser)

Gene: NEB (nebulin; minus strand). Cytogenetic location: 2q23.3.
Variant type: single nucleotide variant.
Coding change: c.1741C>T on transcript NM_001164508.2 (MANE Select); coding-DNA position 1741, C replaced by T.
Protein change: p.Pro581Ser; replaces proline 581 with serine.
Molecular consequence: missense variant.
Genome position (GRCh38, 1-based): chr2:151,694,563, G>A on the plus strand (C>T on the coding strand, the complement: NEB is on the minus strand). VCF-style: chr2-151694563-G-A. GRCh37 (hg19) VCF-style: chr2-152551077-G-A.
Other names: c.1741C>T, p.Pro581Ser (NM_001164507.2, NM_001271208.2, NM_004543.5); short protein forms P581S.
Identifiers: ClinVar variation 2001568 (VCV002001568.1), dbSNP rs1274852454, ClinGen allele CA348824635.